The following is an entry in ClinVar:

ClinVar aggregate classification (germline): Conflicting classifications of pathogenicity. Review status: criteria provided, conflicting classifications (1 of 4 stars). 3 submissions from 3 submitters: Pathogenic (1); Uncertain significance (2). Last evaluated 2024-12-30.

Conditions:
HTRA1-related disorder. Also called: HTRA1-related condition.
Age related macular degeneration 7. Identifiers: MedGen C1857813, MONDO:0012419, OMIM 610149.

Allele frequency attached by ClinVar (database versions not stated): gnomAD 0.00001; TOPMed 0.00001; ExAC 0.00002; gnomAD exomes 0.00003; ESP Exome Variant Server 0.00008.
gnomAD v4.1: 48 of 1,613,452 alleles (0.003%); highest among the groups gnomAD compares: Non-Finnish European, 0.004%; no homozygotes.

Submissions (3):

PreventionGenetics, part of Exact Sciences
Classification: Uncertain significance for HTRA1-related condition. Last evaluated: 2024-12-30. Review status: criteria provided, single submitter. Criteria: ACMG Guidelines, 2015. Collection method: clinical testing. Allele origin: germline.
Comment: The HTRA1 c.958G>A variant is predicted to result in the amino acid substitution p.Asp320Asn. This variant has been reported in the heterozygous state or compound heterozygous state in several individuals with cerebral small vessel disease (see for example, Xie and Zhang 2018. PubMed ID: 30068478; Muthusamy et al. 2021. PubMed ID: 34510819; Malik et al. 2021. PubMed ID: 34626176) and has been noted in an individual with with autosomal recessive cerebral arteriopathy with subcortical infarcts and leukoencephalopathy (CARASIL), but the state of the variant was not reported (Uemura et al. 2020. PubMed ID: 32719647). In vitro functional studies have shown that this variant results in a loss of serine protease function (Malik et al. 2021. PubMed ID: 34626176). This variant is reported in 0.012% of alleles in individuals of African descent in gnomAD. This variant is classified as pathogenic to uncertain significance in the ClinVar. Although we suspect that this variant may be pathogenic, the clinical significance of this variant is uncertain at this time due to the absence of conclusive functional and genetic evidence.

GeneDx
Classification: Uncertain significance. Last evaluated: 2023-08-29. Review status: criteria provided, single submitter. Criteria: GeneDx Variant Classification Process June 2021. Collection method: clinical testing. Allele origin: germline. Affected: yes.
Comment: Reported previously in an individual with CARASIL who harbored a second HRTA1 variant, however parental test results were not reported. The unaffected brother harbors the D320N variant (Xie et al., 2018); In silico analysis supports that this missense variant has a deleterious effect on protein structure/function; This variant is associated with the following publications: (PMID: 34626176, 34510819, 30068478, 31719132)

Women's Health and Genetics/Laboratory Corporation of America, LabCorp
Classification: Pathogenic for Age related macular degeneration 7. Last evaluated: 2022-07-27. Review status: criteria provided, single submitter. Criteria: LabCorp Variant Classification Summary - May 2015. Collection method: clinical testing. Allele origin: germline.
Comment: Variant summary: HTRA1 c.958G>A (p.Asp320Asn) results in a conservative amino acid change located in the protease domain (Malik_2021) of the encoded protein sequence. Four of five in-silico tools predict a damaging effect of the variant on protein function. The variant allele was found at a frequency of 1.6e-05 in 250558 control chromosomes (gnomAD). The variant, c.958G>A, has been reported in the literature in heterozygous and compound heterozygous state in individuals affected with cerebral small vessel arteriopathy and/or diffuse leukoencephalopathy (e.g. Xie_2018, Tan_2019, Malik_2021, Muthusamy_2021), where individuals who carried the variant in heterozygous state, generally had a milder phenotype, without family history of the disease, which might indicate a reduced penetrance. These data indicate that the variant may be associated with disease. One of these publications also reported experimental evidence evaluating an impact on protein function, and found that the variant abolished serine protease activity (Malik_2021). No clinical diagnostic laboratories have submitted clinical-significance assessments for this variant to ClinVar after 2014. Based on the evidence outlined above, the variant was classified as pathogenic.

Literature cited by the submitters: PubMed 31719132 (cited by Women's Health and Genetics/Laboratory Corporation of America, LabCorp); PubMed 34626176 (cited by Women's Health and Genetics/Laboratory Corporation of America, LabCorp); PubMed 34510819 (cited by Women's Health and Genetics/Laboratory Corporation of America, LabCorp); PubMed 30068478 (cited by Women's Health and Genetics/Laboratory Corporation of America, LabCorp).

NM_002775.5(HTRA1):c.958G>A (p.Asp320Asn)

Gene: HTRA1 (HtrA serine peptidase 1; plus strand). Cytogenetic location: 10q26.13.
Variant type: single nucleotide variant.
Coding change: c.958G>A on transcript NM_002775.5 (MANE Select); coding-DNA position 958, G replaced by A.
Protein change: p.Asp320Asn; replaces aspartic acid 320 with asparagine.
Molecular consequence: missense variant.
Genome position (GRCh38, 1-based): chr10:122,506,871, G>A. VCF-style: chr10-122506871-G-A. GRCh37 (hg19) VCF-style: chr10-124266387-G-A.
Other names: short protein forms D320N.
Identifiers: ClinVar variation 1704529 (VCV001704529.5), dbSNP rs376449340, ClinGen allele CA5725976.